The following is an entry in ClinVar:

NM_014806.5(RUSC2):c.3106G>A (p.Val1036Ile)

Gene: RUSC2 (RUN and SH3 domain containing 2; plus strand). Cytogenetic location: 9p13.3.
Variant type: single nucleotide variant.
Coding change: c.3106G>A on transcript NM_014806.5 (MANE Select); coding-DNA position 3106, G replaced by A.
Protein change: p.Val1036Ile; replaces valine 1036 with isoleucine.
Molecular consequence: missense variant. On other transcripts: non-coding transcript variant (1).
Genome position (GRCh38, 1-based): chr9:35,558,242, G>A. VCF-style: chr9-35558242-G-A. GRCh37 (hg19) VCF-style: chr9-35558239-G-A.
Other names: c.3106G>A, p.Val1036Ile (NM_001135999.2); c.472G>A, p.Val158Ile (NM_001330740.2); short protein forms V1036I, V158I.
Identifiers: ClinVar variation 1710446 (VCV001710446.3), dbSNP rs1822064115, ClinGen allele CA373347874.

ClinVar aggregate classification (germline): Uncertain significance (1 of 4 stars; one submission).

Allele frequency attached by ClinVar (database versions not stated): TOPMed below 0.00001.

Submission:

Greenwood Genetic Center Diagnostic Laboratories, Greenwood Genetic Center
Classification: Uncertain significance. Last evaluated: 2022-07-08. Review status: criteria provided, single submitter. Criteria: ACMG Guidelines, 2015. Collection method: clinical testing. Allele origin: germline. Affected: yes.
Comment: Gene of Uncertain Significance